The following is an entry in ClinVar:

NM_174936.4(PCSK9):c.1132T>G (p.Cys378Gly)

Gene: PCSK9 (proprotein convertase subtilisin/kexin type 9; plus strand). Cytogenetic location: 1p32.3.
Variant type: single nucleotide variant.
Coding change: c.1132T>G on transcript NM_174936.4 (MANE Select); coding-DNA position 1132, T replaced by G.
Protein change: p.Cys378Gly; replaces cysteine 378 with glycine.
Molecular consequence: missense variant. On other transcripts: non-coding transcript variant (8).
Genome position (GRCh38, 1-based): chr1:55,057,466, T>G. VCF-style: chr1-55057466-T-G. GRCh37 (hg19) VCF-style: chr1-55523139-T-G.
Other names: c.940T>G, p.Cys314Gly (NM_001407245.1); c.757T>G, p.Cys253Gly (NM_001407246.1); c.1132T>G, p.Cys378Gly (NM_001407247.1, NM_001407241.1, NM_001407244.1); c.1255T>G, p.Cys419Gly (NM_001407240.1); c.1135T>G, p.Cys379Gly (NM_001407242.1); c.1075T>G, p.Cys359Gly (NM_001407243.1); short protein forms C359G, C419G, C253G, C378G, C379G, C314G.
Identifiers: ClinVar variation 2774054 (VCV002774054.2), dbSNP rs2523255277, ClinGen allele CA340476788.

ClinVar aggregate classification (germline): Uncertain significance (1 of 4 stars; one submission).

Conditions:
Familial hypercholesterolemia. Also called: Familial hypercholesterolaemia. Identifiers: MedGen C0020445, MONDO:0005439.

Allele frequency attached by ClinVar (database versions not stated): gnomAD exomes below 0.00001.
gnomAD v4.1: 1 of 1,613,978 alleles (0.000062%); highest among the groups gnomAD compares: Non-Finnish European, 0.000085%; no homozygotes.

Submission:

Color Diagnostics, LLC DBA Color Health
Classification: Uncertain significance for Familial hypercholesterolemia. Last evaluated: 2024-03-07. Review status: criteria provided, single submitter. Criteria: ACMG Guidelines, 2015. Collection method: clinical testing. Allele origin: germline.
Comment: This missense variant replaces cysteine with glycine at codon 378 of the PCSK9 protein. Computational prediction is inconclusive regarding the impact of this variant on protein structure and function (internally defined REVEL score threshold 0.5 < inconclusive < 0.7, PMID: 27666373). To our knowledge, functional studies have not been reported for this variant. This variant has not been reported in individuals affected with familial hypercholesterolemia in the literature. This variant has not been identified in the general population by the Genome Aggregation Database (gnomAD). The available evidence is insufficient to determine the role of this variant in disease conclusively. Therefore, this variant is classified as a Variant of Uncertain Significance.